The following is an entry in ClinVar:

ClinVar aggregate classification (germline): Pathogenic (1 of 4 stars; one submission).

Submission:

Labcorp Genetics (formerly Invitae), Labcorp
Classification: Pathogenic. Last evaluated: 2022-07-25. Review status: criteria provided, single submitter. Criteria: Invitae Variant Classification Sherloc (09022015). Collection method: clinical testing. Allele origin: germline.
Comment: This sequence change creates a premature translational stop signal (p.Ala29Glyfs*50) in the TTPA gene. It is expected to result in an absent or disrupted protein product. Loss-of-function variants in TTPA are known to be pathogenic (PMID: 9463307, 26068213). This variant is not present in population databases (gnomAD no frequency). This variant has not been reported in the literature in individuals affected with TTPA-related conditions. For these reasons, this variant has been classified as Pathogenic.

Literature cited by the submitters: PubMed 9463307; PubMed 26068213.

NM_000370.3(TTPA):c.85_86insGGGCGCTGCGGCGCCGGGCCCGG (p.Ala29fs)

Gene: TTPA (alpha tocopherol transfer protein; minus strand). Cytogenetic location: 8q12.3.
Variant type: Insertion.
Coding change: c.85_86insGGGCGCTGCGGCGCCGGGCCCGG on transcript NM_000370.3 (MANE Select); coding-DNA positions 85 to 86, GGGCGCTGCGGCGCCGGGCCCGG inserted.
Protein change: p.Ala29fs; shifts the reading frame from alanine 29.
Molecular consequence: frameshift variant.
Genome position: GRCh38 VCF-style: chr8-63085936-G-GCCGGGCCCGGCGCCGCAGCGCCC. GRCh37 (hg19) VCF-style: chr8-63998495-G-GCCGGGCCCGGCGCCGCAGCGCCC.
Other names: c.83_84insGGGGGCGCTGCGGCGCCGGGCCC, p.Ala29Glyfs (NM_001413414.1, NM_001413415.1, NM_001413416.1 and 2 more transcripts); short protein forms A29fs.
Identifiers: ClinVar variation 2019084 (VCV002019084.4), dbSNP rs2487201123, ClinGen allele CA2580078875.